The following is an entry in ClinVar:

NM_000245.4(MET):c.3548G>A (p.Gly1183Asp)

Gene: MET (MET proto-oncogene, receptor tyrosine kinase; plus strand). Cytogenetic location: 7q31.2.
Variant type: single nucleotide variant.
Coding change: c.3548G>A on transcript NM_000245.4 (MANE Select); coding-DNA position 3548, G replaced by A.
Protein change: p.Gly1183Asp; replaces glycine 1183 with aspartic acid.
Molecular consequence: missense variant.
Genome position (GRCh38, 1-based): chr7:116,782,013, G>A. VCF-style: chr7-116782013-G-A. GRCh37 (hg19) VCF-style: chr7-116422067-G-A.
Other names: c.3602G>A, p.Gly1201Asp (NM_001127500.3); c.2258G>A, p.Gly753Asp (NM_001324402.2); short protein forms G1201D, G1183D, G753D.
Identifiers: ClinVar variation 2818668 (VCV002818668.3), dbSNP rs2117059607, ClinGen allele CA368990934.

ClinVar aggregate classification (germline): Uncertain significance (1 of 4 stars; one submission).

Conditions:
Renal cell carcinoma. Identifiers: Orphanet 217071, MedGen C0007134, MeSH D002292, MONDO:0005086, HP:0005584.

Submission:

Labcorp Genetics (formerly Invitae), Labcorp
Classification: Uncertain significance for Renal cell carcinoma. Last evaluated: 2022-12-04. Review status: criteria provided, single submitter. Criteria: Invitae Variant Classification Sherloc (09022015). Collection method: clinical testing. Allele origin: germline.
Comment: Advanced modeling of protein sequence and biophysical properties (such as structural, functional, and spatial information, amino acid conservation, physicochemical variation, residue mobility, and thermodynamic stability) performed at Invitae indicates that this missense variant is expected to disrupt MET protein function. In summary, the available evidence is currently insufficient to determine the role of this variant in disease. Therefore, it has been classified as a Variant of Uncertain Significance. This sequence change replaces glycine, which is neutral and non-polar, with aspartic acid, which is acidic and polar, at codon 1201 of the MET protein (p.Gly1201Asp). This variant is not present in population databases (gnomAD no frequency). This variant has not been reported in the literature in individuals affected with MET-related conditions.